The following is an entry in ClinVar:

NM_000228.3(LAMB3):c.975T>A (p.Cys325Ter)

Gene: LAMB3 (laminin subunit beta 3; minus strand). Cytogenetic location: 1q32.2.
Variant type: single nucleotide variant.
Coding change: c.975T>A on transcript NM_000228.3 (MANE Select); coding-DNA position 975, T replaced by A.
Protein change: p.Cys325Ter; replaces cysteine 325 with a stop codon.
Molecular consequence: nonsense.
Genome position (GRCh38, 1-based): chr1:209,629,894, A>T on the plus strand (T>A on the coding strand, the complement: LAMB3 is on the minus strand). VCF-style: chr1-209629894-A-T. GRCh37 (hg19) VCF-style: chr1-209803239-A-T.
Other names: c.975T>A, p.Cys325Ter (NM_001017402.2, NM_001127641.1); short protein forms C325*.
Identifiers: ClinVar variation 984102 (VCV000984102.9), dbSNP rs1666615300, ClinGen allele CA344592836.

ClinVar aggregate classification (germline): Pathogenic/Likely pathogenic. Review status: criteria provided, multiple submitters, no conflicts (2 of 4 stars). 2 submissions from 2 submitters: Pathogenic (1); Likely pathogenic (1). Last evaluated 2021-12-01.

Conditions:
Junctional epidermolysis bullosa gravis of Herlitz. Also called: Epidermolysis Bullosa Letalis; EPIDERMOLYSIS BULLOSA JUNCTIONALIS, HERLITZ TYPE; EPIDERMOLYSIS BULLOSA, JUNCTIONAL, HERLITZ-PEARSON TYPE; JEB-HERLITZ TYPE; Herlitz-type junctional epidermolysis bullosa; EPIDERMOLYSIS BULLOSA, JUNCTIONAL 1B, SEVERE. Identifiers: Orphanet 79404, MedGen C0079683, MONDO:0009182, OMIM 226700.

Submissions (2):

Labcorp Genetics (formerly Invitae), Labcorp
Classification: Pathogenic. Last evaluated: 2021-12-01. Review status: criteria provided, single submitter. Criteria: Invitae Variant Classification Sherloc (09022015). Collection method: clinical testing. Allele origin: germline.
Comment: For these reasons, this variant has been classified as Pathogenic. ClinVar contains an entry for this variant (Variation ID: 984102). This variant is not present in population databases (gnomAD no frequency). This variant has not been reported in the literature in individuals affected with LAMB3-related conditions. This sequence change creates a premature translational stop signal (p.Cys325*) in the LAMB3 gene. It is expected to result in an absent or disrupted protein product. Loss-of-function variants in LAMB3 are known to be pathogenic (PMID: 11023379, 16473856).

Myriad Genetics, Inc.
Classification: Likely pathogenic for Junctional epidermolysis bullosa gravis of Herlitz. Last evaluated: 2019-05-07. Review status: criteria provided, single submitter. Criteria: Myriad Women's Health Autosomal Recessive and X-Linked Classification Criteria (2019). Collection method: clinical testing. Allele origin: unknown.
Comment: NM_000228.2(LAMB3):c.975T>A(C325*) is expected to be pathogenic in the context of Herlitz junctional epidermolysis bullosa, LAMB3-related. This variant is predicted to lead to an abnormal or absent protein product due to the creation of a premature termination codon in LAMB3, a gene where loss-of-function variants are known to be pathogenic. Please note: this variant was assessed in the context of healthy population screening.

Literature cited by the submitters: PubMed 11023379 (cited by Labcorp Genetics (formerly Invitae), Labcorp); PubMed 16473856 (cited by Labcorp Genetics (formerly Invitae), Labcorp).